The following is an entry in ClinVar:

ClinVar aggregate classification (germline): Conflicting classifications of pathogenicity. Review status: criteria provided, conflicting classifications (1 of 4 stars). 6 submissions from 6 submitters: Uncertain significance (2); Benign (1); Likely benign (1). 2 of the submissions do not count toward it. Last evaluated 2026-01-19.

Conditions:
TECPR2-related disorder. Also called: TECPR2-related condition.
Hereditary spastic paraplegia 49 (HSAN9). Also called: Spastic paraplegia 49, autosomal recessive; TECPR2-Related Hereditary Sensory and Autonomic Neuropathy with Intellectual Disability; NEUROPATHY, HEREDITARY SENSORY AND AUTONOMIC, TYPE IX, WITH DEVELOPMENTAL DELAY. Identifiers: Orphanet 320385, MedGen C5190860, MONDO:0014016, OMIM 615031.
Hereditary spastic paraplegia. Also called: Familial spastic paraparesis. Identifiers: Orphanet 685, MedGen C0037773, MONDO:0019064. Disease mechanism: loss of function.

Allele frequency attached by ClinVar (database versions not stated): ESP Exome Variant Server 0.00008; gnomAD 0.00051; TOPMed 0.00085; gnomAD exomes 0.00088; ExAC 0.00138; 1000 Genomes Project 30x 0.00187; 1000 Genomes Project 0.00220.
gnomAD v4.1: 989 of 1,608,894 alleles (0.061%); highest among the groups gnomAD compares: East Asian, 1.7%; 5 homozygotes.

Submissions (6):

Labcorp Genetics (formerly Invitae), Labcorp
Classification: Benign for Hereditary spastic paraplegia 49. Last evaluated: 2026-01-19. Review status: criteria provided, single submitter. Criteria: Invitae Variant Classification Sherloc (09022015). Collection method: clinical testing. Allele origin: germline.

GeneDx
Classification: Uncertain significance. Last evaluated: 2022-10-05. Review status: criteria provided, single submitter. Criteria: GeneDx Variant Classification Process June 2021. Collection method: clinical testing. Allele origin: germline. Affected: yes.
Comment: In silico analysis supports that this missense variant does not alter protein structure/function; Has not been previously published as pathogenic or benign to our knowledge

Genome Diagnostics Laboratory, The Hospital for Sick Children
Classification: Uncertain significance for Hereditary spastic paraplegia. Last evaluated: 2022-01-14. Review status: criteria provided, single submitter. Criteria: ACMG Guidelines, 2015. Collection method: clinical testing. Allele origin: germline. Affected: yes.

CeGaT Center for Human Genetics Tuebingen
Classification: Likely benign. Last evaluated: 2022-01-01. Review status: criteria provided, single submitter. Criteria: CeGaT Center For Human Genetics Tuebingen Variant Classification Criteria Version 2. Collection method: clinical testing. Allele origin: germline. Affected: yes. Observed: 1 variant allele.

Natera, Inc.
Classification: Uncertain significance for Autosomal recessive spastic paraplegia type 49. Last evaluated: 2020-04-17. Review status: no assertion criteria provided. Collection method: clinical testing. Allele origin: germline. Not counted in ClinVar's aggregate classification.

PreventionGenetics, part of Exact Sciences
Classification: Benign for TECPR2-related condition. Last evaluated: 2019-11-26. Review status: no assertion criteria provided. Collection method: clinical testing. Allele origin: germline. Not counted in ClinVar's aggregate classification.
Comment: This variant is classified as benign based on ACMG/AMP sequence variant interpretation guidelines (Richards et al. 2015 PMID: 25741868, with internal and published modifications).

NM_014844.5(TECPR2):c.4033G>A (p.Ala1345Thr)

Gene: TECPR2 (tectonin beta-propeller repeat containing 2; plus strand). Cytogenetic location: 14q32.31.
Variant type: single nucleotide variant.
Coding change: c.4033G>A on transcript NM_014844.5 (MANE Select); coding-DNA position 4033, G replaced by A.
Protein change: p.Ala1345Thr; replaces alanine 1345 with threonine.
Molecular consequence: missense variant.
Genome position (GRCh38, 1-based): chr14:102,497,671, G>A. VCF-style: chr14-102497671-G-A. GRCh37 (hg19) VCF-style: chr14-102964008-G-A.
Other names: c.4033G>A (NM_014844.4); short protein forms A1345T.
Identifiers: ClinVar variation 696533 (VCV000696533.49), dbSNP rs77170608, ClinGen allele CA7358445.
Genomic context (GRCh38, chr14:102,497,671, plus strand): 5'-TGGGCCCGCTGTCCAAACGGAGACCTCGCCCGGCGGTACGGCGTCACAGACAAGAACCCC[G>A]CCGGGGACTACTGGAAGAAAATTCCCGGCAGCGTGTCGTGTTTCACAGGCAGGTGCCCGG-3'
Protein context (NP_055659.2, residues 1335-1355): RRYGVTDKNP[Ala1345Thr]GDYWKKIPGS